The following continues an entry in ClinVar:

NM_004004.6(GJB2):c.-22-2A>C

Gene: GJB2. ClinVar aggregate classification (germline): Likely pathogenic. Likely pathogenic (1).

Submissions 5 to 18 of 34:

Labcorp Genetics (formerly Invitae), Labcorp
Classification: Likely pathogenic. Last evaluated: 2026-01-28. Review status: criteria provided, single submitter. Criteria: Invitae Variant Classification Sherloc (09022015). Collection method: clinical testing. Allele origin: germline. Not counted in ClinVar's aggregate classification.
Comment: This sequence change falls in intron 1 of the GJB2 gene. It does not directly change the encoded amino acid sequence of the GJB2 protein. It affects a nucleotide within the consensus splice site. This variant is present in population databases (rs201895089, gnomAD 0.5%), and has an allele count higher than expected for a pathogenic variant. This variant has been observed in individual(s) with autosomal recessive deafness (PMID: 24039984, 29311818). In at least one individual the data is consistent with being in trans (on the opposite chromosome) from a pathogenic variant. It has also been observed to segregate with disease in related individuals. This variant has been reported in individuals with postlingual mild-moderate hearing loss (PMID: 24039984, 25401782, 29311818, 19814620, 34062854). Individuals homozygous for this variant may or may not be affected. ClinVar contains an entry for this variant (Variation ID: 375406). Variants that disrupt the consensus splice site are a relatively common cause of aberrant splicing (PMID: 17576681, 9536098). Algorithms developed to predict the effect of sequence changes on RNA splicing suggest that this variant may disrupt the consensus splice site. In summary, the currently available evidence indicates that the variant is pathogenic, but additional data are needed to prove that conclusively. Therefore, this variant has been classified as Likely Pathogenic.

GeneDx
Classification: Pathogenic. Last evaluated: 2025-11-17. Review status: criteria provided, single submitter. Criteria: GeneDx Variant Classification Process June 2021. Collection method: clinical testing. Allele origin: germline. Affected: yes. Not counted in ClinVar's aggregate classification.
Comment: Published functional studies using patient cells demonstrate the use of two alternative cryptic splice acceptor sites in lieu of the destroyed canonical splice acceptor site, resulting in a longer 5'UTR and reduced expression of the alternate transcript; however, the coding regions remain intact and it is not clear if the lower expression is sufficient to have a clinical effect (PMID: 24039984); In silico analysis supports a deleterious effect on splicing; Located in a regulatory region; in the absence of functional studies, the actual effect of this sequence change is unknown; This variant is associated with the following publications: (PMID: 34428318, 38868966, 30455902, 30311386, 29754767, 34426522, 34062854, 29016196, 19814620, 33096615, 34652575, 31053783, 31980526, DiStefano2020[paper], 24039984, 26778469, 34325055, 34308104, 36651276, 36979683, 36837553, 38397306)

Revvity Omics, Revvity
Classification: Likely pathogenic. Last evaluated: 2025-07-31. Review status: criteria provided, single submitter. Criteria: ACMG Guidelines, 2015. Collection method: clinical testing. Allele origin: germline. Not counted in ClinVar's aggregate classification.

Dasa
Classification: Pathogenic. Last evaluated: 2025-03-02. Review status: criteria provided, single submitter. Criteria: DASA Assertion Criteria. Collection method: clinical testing. Allele origin: germline. Not counted in ClinVar's aggregate classification.
Comment: NM_004004.6(GJB2):c.-22-2A>C affects a canonical splice site and is predicted to disrupt normal RNA splicing, leading to loss of normal protein function. Loss-of-function is an established mechanism of disease for this gene. Segregation evidence has been reported in affected families. This variant has been observed in affected individuals with related phenotype in a genotype context consistent with recessive disease (PMID: 24039984; PMID: 33096615; PMID: 25401782). Functional evidence supports a deleterious effect on the gene or gene product (PMID: 24039984; PMID: 33096615; PMID: 25401782). This variant has been recurrently observed in individuals with related phenotype (PMID: 24039984; PMID: 33096615; PMID: 25401782). The variant is present at low frequency in population datasets. Based on the available data, this variant is classified as pathogenic.

Blueprint Genetics
Classification: Likely pathogenic for GJB2-related disorders. Last evaluated: 2024-11-21. Review status: criteria provided, single submitter. Criteria: ACMG Guidelines, 2015. Collection method: clinical testing. Allele origin: germline. Affected: yes. Observed: 5 variant alleles. Not counted in ClinVar's aggregate classification.

Equipe Genetique des Anomalies du Developpement, Université de Bourgogne
Classification: Likely pathogenic for Autosomal recessive nonsyndromic hearing loss 1A. Last evaluated: 2024-09-18. Review status: criteria provided, single submitter. Criteria: ACMG Guidelines, 2015. Collection method: clinical testing. Allele origin: germline. Affected: yes. Not counted in ClinVar's aggregate classification.
Comment: This variant is located in a canonical splice acceptor site and is predicted to affect the mRNA product. It has been reported in patients with deafness and hearing loss (PMID 35864128, 34652575). It was reported as pathogenic multiple times in ClinVar. Based on the evidence outlined above, the variant was classified as likely pathogenic.

Laboratory of Prof. Karen Avraham, Tel Aviv University
Classification: Pathogenic for Autosomal recessive nonsyndromic hearing loss 1A. Last evaluated: 2024-05-08. Review status: criteria provided, single submitter. Criteria: ACMG Guidelines, 2015. Collection method: research. Allele origin: germline. Affected: yes. Observed: 1 variant allele. Not counted in ClinVar's aggregate classification.
Comment: In ClinVar: 5 'Likely pathogenic' and 2 'Pathogenic' submissions

DFNB1A; high-tone HL, normal-severe

Fulgent Genetics
Classification: Likely pathogenic for Mutilating keratoderma; Autosomal dominant keratitis-ichthyosis-hearing loss syndrome; Palmoplantar keratoderma-deafness syndrome; Knuckle pads, deafness AND leukonychia syndrome; Autosomal recessive nonsyndromic hearing loss 1A; Autosomal dominant nonsyndromic hearing loss 3A. Last evaluated: 2024-04-23. Review status: criteria provided, single submitter. Criteria: ACMG Guidelines, 2015. Collection method: clinical testing. Allele origin: germline. Not counted in ClinVar's aggregate classification.

ARUP Laboratories, Molecular Genetics and Genomics, ARUP Laboratories
Classification: Likely pathogenic. Last evaluated: 2024-04-11. Review status: criteria provided, single submitter. Criteria: ARUP Molecular Germline Variant Investigation Process 2024. Collection method: clinical testing. Allele origin: germline. Not counted in ClinVar's aggregate classification.
Comment: The GJB2 c.-22-2A>C variant (rs201895089; ClinVar ID: 375406) is reported in the literature in multiple individuals affected with mild-to-moderate hearing loss who carried a second pathogenic GJB2 variant in trans (Buonfiglio 2020, Gandia 2013, Safka Brokova 2021, Stanghellini 2014). The c.-22-2A>C variant segregated with disease in multiple affected members of a family with hearing loss (Gandia 2013). This variant is found in the Ashkenazi Jewish population with an allele frequency of 0.45% (47/10,344 alleles) in the Genome Aggregation Database (v2.1.1). This variant disrupts the canonical splice acceptor site of intron 1, which is likely to negatively impact gene function. Indeed, functional analysis confirm an effect on splicing; however, the overall impact on protein expression is not well defined (Gandia 2013). Based on available information, this variant is considered to be likely pathogenic. References: Buonfiglio P et al. GJB2 and GJB6 Genetic Variant Curation in an Argentinean Non-Syndromic Hearing-Impaired Cohort. Genes (Basel). 2020 Oct 21;11(10):1233. PMID: 33096615. Gandia M et al. A novel splice-site mutation in the GJB2 gene causing mild postlingual hearing impairment. PLoS One. 2013 Sep 6;8(9):e73566. PMID: 24039984. Safka Brozkova D et al. The Cause of Hereditary Hearing Loss in GJB2 Heterozygotes-A Comprehensive Study of the GJB2/DFNB1 Region. Genes (Basel). 2021 May 1;12(5):684. PMID: 34062854. Stanghellini I et al. New and rare GJB2 alleles in patients with nonsyndromic sensorineural hearing impairment: a genotype/auditory phenotype correlation. Genet Test Mol Biomarkers. 2014 Dec;18(12):839-44. PMID: 25401782.

Laboratory of Medical Genetics, National & Kapodistrian University of Athens
Classification: Likely pathogenic for Autosomal recessive nonsyndromic hearing loss 1A. Last evaluated: 2024-02-01. Review status: criteria provided, single submitter. Criteria: ACMG Guidelines, 2015. Collection method: curation. Allele origin: germline. Affected: no. Not counted in ClinVar's aggregate classification.

Athena Diagnostics
Classification: Pathogenic. Last evaluated: 2024-01-24. Review status: criteria provided, single submitter. Criteria: Athena Diagnostics Criteria. Collection method: clinical testing. Allele origin: unknown. Not counted in ClinVar's aggregate classification.
Comment: This variant is expected to severely impact normal RNA splicing, and consequently, protein structure and/or function. The frequency of this variant in the general population is consistent with pathogenicity. This variant has been identified in at least one individual with autosomal recessive hearing loss and appears to be associated with disease in at least one family.

Genomic Medicine Center of Excellence, King Faisal Specialist Hospital and Research Centre
Classification: Pathogenic. Last evaluated: 2024-01-18. Review status: criteria provided, single submitter. Criteria: ACMG Guidelines, 2015. Collection method: research. Allele origin: germline. Not counted in ClinVar's aggregate classification.

CeGaT Center for Human Genetics Tuebingen
Classification: Pathogenic. Last evaluated: 2023-10-01. Review status: criteria provided, single submitter. Criteria: CeGaT Center For Human Genetics Tuebingen Variant Classification Criteria Version 2. Collection method: clinical testing. Allele origin: germline. Affected: yes. Observed: 1 variant allele. Not counted in ClinVar's aggregate classification.
Comment: GJB2: PM3:Very Strong, PP1:Strong, PM2:Supporting, PS3:Supporting

Department of Pathology and Laboratory Medicine, Sinai Health System
Classification: Likely pathogenic for Knuckle pads, deafness AND leukonychia syndrome; Mutilating keratoderma; Palmoplantar keratoderma-deafness syndrome. Last evaluated: 2023-07-26. Review status: criteria provided, single submitter. Criteria: ACMG Guidelines, 2015. Collection method: research. Allele origin: germline. Not counted in ClinVar's aggregate classification.